The following is an entry in ClinVar:

NM_006258.4(PRKG1):c.1793T>C (p.Ile598Thr)

Gene: PRKG1 (protein kinase cGMP-dependent 1; plus strand). Cytogenetic location: 10q21.1.
Variant type: single nucleotide variant.
Coding change: c.1793T>C on transcript NM_006258.4 (MANE Select); coding-DNA position 1793, T replaced by C.
Protein change: p.Ile598Thr; replaces isoleucine 598 with threonine.
Molecular consequence: missense variant.
Genome position (GRCh38, 1-based): chr10:52,288,809, T>C. VCF-style: chr10-52288809-T-C. GRCh37 (hg19) VCF-style: chr10-54048569-T-C.
Other names: c.1748T>C, p.Ile583Thr (NM_001098512.3); c.584T>C, p.Ile195Thr (NM_001374781.1); short protein forms I195T, I583T, I598T.
Identifiers: ClinVar variation 4807001 (VCV004807001.1).
Genomic context (GRCh38, chr10:52,288,809, plus strand): 5'-CTATGAAAACCTATAACATCATATTGAGGGGGATTGACATGATAGAATTTCCAAAGAAGA[T>C]TGCCAAAAATGCTGCTAATTTAATTAAAAAACTATGCAGGTAAGTATTTCAACCACATTA-3'
Protein context (NP_006249.1, residues 588-608): GIDMIEFPKK[Ile598Thr]AKNAANLIKK

ClinVar aggregate classification (germline): Uncertain significance (1 of 4 stars; one submission).

Conditions:
Aortic aneurysm, familial thoracic 8 (AAT8). Identifiers: MedGen C3809513, MONDO:0014187, OMIM 615436.

Submission:

Labcorp Genetics (formerly Invitae), Labcorp
Classification: Uncertain significance for Aortic aneurysm, familial thoracic 8. Last evaluated: 2025-11-28. Review status: criteria provided, single submitter. Criteria: Invitae Variant Classification Sherloc (09022015). Collection method: clinical testing. Allele origin: germline.
Comment: This sequence change replaces isoleucine, which is neutral and non-polar, with threonine, which is neutral and polar, at codon 598 of the PRKG1 protein (p.Ile598Thr). This variant is not present in population databases (gnomAD no frequency). This variant has not been reported in the literature in individuals affected with PRKG1-related conditions. An algorithm developed to predict the effect of missense changes on protein structure and function (PolyPhen-2) suggests that this variant is likely to be disruptive. In summary, the available evidence is currently insufficient to determine the role of this variant in disease. Therefore, it has been classified as a Variant of Uncertain Significance.